The following is an entry in ClinVar:

ClinVar aggregate classification (germline): Uncertain significance. Review status: criteria provided, multiple submitters, no conflicts (2 of 4 stars). 2 submissions from 2 submitters: Uncertain significance (2). Last evaluated 2025-11-05.

Conditions:
Regional enteritis. Also called: Enteritis, Granulomatous. Identifiers: MedGen C0678202, MeSH D003424.
Blau syndrome (BLAUS). Also called: GRANULOMATOSIS, FAMILIAL JUVENILE SYSTEMIC; GRANULOMATOSIS, FAMILIAL, BLAU TYPE; GRANULOMATOUS INFLAMMATORY ARTHRITIS, DERMATITIS, AND UVEITIS, FAMILIAL; JABS SYNDROME; ARTHROCUTANEOUVEAL GRANULOMATOSIS. Identifiers: Orphanet 90340, MedGen C5201146, MONDO:0008523, OMIM 186580.
Inborn genetic diseases. Identifiers: MedGen C0950123, MeSH D030342.

Allele frequency attached by ClinVar (database versions not stated): ExAC 0.00001; gnomAD exomes 0.00001; TOPMed 0.00001.
gnomAD v4.1: 20 of 1,613,716 alleles (0.0012%); highest among the groups gnomAD compares: Non-Finnish European, 0.0017%; no homozygotes.

Submissions (2):

Ambry Genetics
Classification: Uncertain significance for Inborn genetic diseases. Last evaluated: 2025-11-05. Review status: criteria provided, single submitter. Criteria: Ambry Variant Classification Scheme 2023. Collection method: clinical testing. Allele origin: germline.

Labcorp Genetics (formerly Invitae), Labcorp
Classification: Uncertain significance for Regional enteritis; Blau syndrome. Last evaluated: 2024-01-29. Review status: criteria provided, single submitter. Criteria: Invitae Variant Classification Sherloc (09022015). Collection method: clinical testing. Allele origin: germline.
Comment: This sequence change replaces leucine, which is neutral and non-polar, with valine, which is neutral and non-polar, at codon 934 of the NOD2 protein (p.Leu934Val). This variant is present in population databases (rs771833402, gnomAD 0.002%). This variant has not been reported in the literature in individuals affected with NOD2-related conditions. ClinVar contains an entry for this variant (Variation ID: 1353608). An algorithm developed to predict the effect of missense changes on protein structure and function (PolyPhen-2) suggests that this variant is likely to be disruptive. In summary, the available evidence is currently insufficient to determine the role of this variant in disease. Therefore, it has been classified as a Variant of Uncertain Significance.

NM_001370466.1(NOD2):c.2719C>G (p.Leu907Val)

Gene: NOD2 (nucleotide binding oligomerization domain containing 2; plus strand). Cytogenetic location: 16q12.1.
Variant type: single nucleotide variant.
Coding change: c.2719C>G on transcript NM_001370466.1 (MANE Select); coding-DNA position 2719, C replaced by G.
Protein change: p.Leu907Val; replaces leucine 907 with valine.
Molecular consequence: missense variant. On other transcripts: non-coding transcript variant (1).
Genome position (GRCh38, 1-based): chr16:50,723,302, C>G. VCF-style: chr16-50723302-C-G. GRCh37 (hg19) VCF-style: chr16-50757213-C-G.
Other names: c.2719C>G, p.Leu907Val (NM_001293557.2); c.2800C>G, p.Leu934Val (NM_022162.3); c.2800C>G (NM_022162.1); short protein forms L907V, L934V.
Identifiers: ClinVar variation 1353608 (VCV001353608.9), dbSNP rs771833402, ClinGen allele CA8051986.